The following is an entry in ClinVar:

NM_000038.6(APC):c.5823A>C (p.Pro1941=)

Gene: APC (APC regulator of Wnt signaling pathway; plus strand). Cytogenetic location: 5q22.2.
Variant type: single nucleotide variant.
Coding change: c.5823A>C on transcript NM_000038.6 (MANE Select); coding-DNA position 5823, A replaced by C.
Protein change: p.Pro1941=; no amino-acid change (proline 1941 retained).
Molecular consequence: synonymous variant.
Genome position (GRCh38, 1-based): chr5:112,841,417, A>C. VCF-style: chr5-112841417-A-C. GRCh37 (hg19) VCF-style: chr5-112177114-A-C.
Other names: c.5823A>C, p.Pro1941= (NM_001127510.3, NM_001354895.2); c.5769A>C, p.Pro1923= (NM_001127511.3); c.5877A>C, p.Pro1959= (NM_001354896.2); c.5853A>C, p.Pro1951= (NM_001354897.2); c.5748A>C, p.Pro1916= (NM_001354898.2); c.5739A>C, p.Pro1913= (NM_001354899.2); c.5700A>C, p.Pro1900= (NM_001354900.2); c.5646A>C, p.Pro1882= (NM_001354901.2); and 5 more.
Identifiers: ClinVar variation 798503 (VCV000798503.14), dbSNP rs770869007, ClinGen allele CA446209833.
Genomic context (GRCh38, chr5:112,841,417, plus strand): 5'-TCAGCCTAAACCCATACTTCAGAAACAATCCACTTTTCCCCAGTCATCCAAAGACATACC[A>C]GACAGAGGGGCAGCAACTGATGAAAAGTTACAGAATTTTGCTATTGAAAATACTCCGGTT-3'
Protein context (NP_000029.2, residues 1931-1951): STFPQSSKDI[Pro1941=]DRGAATDEKL

ClinVar aggregate classification (germline): Benign/Likely benign. Review status: criteria provided, multiple submitters, no conflicts (2 of 4 stars). 3 submissions from 3 submitters: Benign (1); Likely benign (2). Last evaluated 2025-10-14.

Conditions:
Hereditary cancer-predisposing syndrome. Also called: Neoplastic Syndromes, Hereditary; Hereditary neoplastic syndrome; Tumor predisposition; Hereditary Cancer Syndrome. Identifiers: Orphanet 140162, MedGen C0027672, MeSH D009386, MONDO:0015356.
Familial adenomatous polyposis 1 (FAP1). Also called: POLYPOSIS, ADENOMATOUS INTESTINAL; FAMILIAL ADENOMATOUS POLYPOSIS 1, ATTENUATED. Identifiers: MedGen C2713442, MONDO:0021056, OMIM 175100. Disease mechanism: loss of function.

gnomAD v4.1: 1 of 1,614,056 alleles (0.000062%); highest among the groups gnomAD compares: Non-Finnish European, 0.000085%; no homozygotes.

Submissions (3):

Labcorp Genetics (formerly Invitae), Labcorp
Classification: Likely benign for Familial adenomatous polyposis 1. Last evaluated: 2025-10-14. Review status: criteria provided, single submitter. Criteria: Invitae Variant Classification Sherloc (09022015). Collection method: clinical testing. Allele origin: germline.

Myriad Genetics, Inc.
Classification: Benign for Familial adenomatous polyposis 1. Last evaluated: 2024-04-02. Review status: criteria provided, single submitter. Criteria: Myriad Autosomal Dominant, Autosomal Recessive and X-Linked Classification Criteria (2023). Collection method: clinical testing. Allele origin: unknown.
Comment: This variant is considered benign. This variant is a silent/synonymous amino acid change and it is not expected to impact splicing.

Color Diagnostics, LLC DBA Color Health
Classification: Likely benign for Hereditary cancer-predisposing syndrome. Last evaluated: 2019-03-22. Review status: criteria provided, single submitter. Criteria: ACMG Guidelines, 2015. Collection method: clinical testing. Allele origin: germline.